The following is an entry in ClinVar:

ClinVar aggregate classification (germline): Uncertain significance (1 of 4 stars; one submission).

Submission:

CeGaT Center for Human Genetics Tuebingen
Classification: Uncertain significance. Last evaluated: 2025-10-01. Review status: criteria provided, single submitter. Criteria: CeGaT Center For Human Genetics Tuebingen Variant Classification Criteria Version 2. Collection method: clinical testing. Allele origin: germline. Affected: yes. Observed: 1 variant allele.
Comment: RYR1: PM2

NM_000540.3(RYR1):c.9043C>A (p.Leu3015Ile)

Gene: RYR1 (ryanodine receptor 1; plus strand). Cytogenetic location: 19q13.2.
Variant type: single nucleotide variant.
Coding change: c.9043C>A on transcript NM_000540.3 (MANE Select); coding-DNA position 9043, C replaced by A.
Protein change: p.Leu3015Ile; replaces leucine 3015 with isoleucine.
Molecular consequence: missense variant.
Genome position (GRCh38, 1-based): chr19:38,510,702, C>A. VCF-style: chr19-38510702-C-A. GRCh37 (hg19) VCF-style: chr19-39001342-C-A.
Other names: c.9043C>A, p.Leu3015Ile (NM_001042723.2); short protein forms L3015I.
Identifiers: ClinVar variation 4535110 (VCV004535110.6).
Genomic context (GRCh38, chr19:38,510,702, plus strand): 5'-CCCCCAACCCGTCTCCAGATCCTGCTCCCTTTGATCAACCAGTACTTCACCAACCACTGC[C>A]TCTATTTCTTGTCCACTCCGGCTAAAGTGCTGGGCAGCGGTGGCCACGCCTCTAACAAGG-3'
Protein context (NP_000531.2, residues 3005-3025): LINQYFTNHC[Leu3015Ile]YFLSTPAKVL